The following is an entry in ClinVar:

NM_004656.4(BAP1):c.181A>T (p.Lys61Ter)

Gene: BAP1 (BRCA1 associated deubiquitinase 1; minus strand). Cytogenetic location: 3p21.1.
Variant type: single nucleotide variant.
Coding change: c.181A>T on transcript NM_004656.4 (MANE Select); coding-DNA position 181, A replaced by T.
Protein change: p.Lys61Ter; replaces lysine 61 with a stop codon.
Molecular consequence: nonsense.
Genome position (GRCh38, 1-based): chr3:52,408,548, T>A on the plus strand (A>T on the coding strand, the complement: BAP1 is on the minus strand). VCF-style: chr3-52408548-T-A. GRCh37 (hg19) VCF-style: chr3-52442564-T-A.
Other names: short protein forms K61*.
Identifiers: ClinVar variation 412435 (VCV000412435.8), dbSNP rs1060503744, ClinGen allele CA16611360.

ClinVar aggregate classification (germline): Pathogenic (1 of 4 stars; one submission).

Conditions:
BAP1-related tumor predisposition syndrome (TPDS1). Also called: COMMON Syndrome; Tumor susceptibility linked to germline BAP1 mutations; TUMOR PREDISPOSITION SYNDROME 1; BAP1 tumor predisposition syndrome. Identifiers: Orphanet 289539, MedGen C3280492, MONDO:0013692, OMIM 614327.

Submission:

Labcorp Genetics (formerly Invitae), Labcorp
Classification: Pathogenic for BAP1-related tumor predisposition syndrome. Last evaluated: 2024-09-04. Review status: criteria provided, single submitter. Criteria: Invitae Variant Classification Sherloc (09022015). Collection method: clinical testing. Allele origin: germline.
Comment: This sequence change creates a premature translational stop signal (p.Lys61*) in the BAP1 gene. It is expected to result in an absent or disrupted protein product. Loss-of-function variants in BAP1 are known to be pathogenic (PMID: 21874000, 23684012). This variant is not present in population databases (gnomAD no frequency). This variant has not been reported in the literature in individuals affected with BAP1-related conditions. ClinVar contains an entry for this variant (Variation ID: 412435). For these reasons, this variant has been classified as Pathogenic.

Literature cited by the submitters: PubMed 21874000; PubMed 23684012.